The following is an entry in ClinVar:

Conditions:
Arteriohepatic dysplasia. Also called: Alagille Syndrome. Identifiers: Orphanet 52, MedGen C0085280, MeSH D016738, MONDO:0007318.

Submission:

Gilbert/Spinner Lab, Children's Hospital of Philadelphia
No classification provided (evidence only). Condition: Alagille syndrome. Review status: no classification provided. Collection method: research. Allele origin: not applicable. Functional consequence: functionally_abnormal.
ClinVar note: "not provided" was previously submitted as the classification for the variant. However, the classification appeared to be based only on an observation of functional data so it was converted to no classification on 2025-07-30.

NM_000214.3(JAG1):c.392C>G (p.Ser131Cys)

Gene: JAG1 (jagged canonical Notch ligand 1; minus strand). Cytogenetic location: 20p12.2.
Variant type: single nucleotide variant.
Coding change: c.392C>G on transcript NM_000214.3 (MANE Select); coding-DNA position 392, C replaced by G.
Protein change: p.Ser131Cys; replaces serine 131 with cysteine.
Molecular consequence: missense variant.
Genome position (GRCh38, 1-based): chr20:10,664,010, G>C on the plus strand (C>G on the coding strand, the complement: JAG1 is on the minus strand). VCF-style: chr20-10664010-G-C. GRCh37 (hg19) VCF-style: chr20-10644658-G-C.
Other names: short protein forms S131C.
Identifiers: ClinVar variation 3573290 (VCV003573290.2).